The following is an entry in ClinVar:

NM_020778.4(ALPK3):c.237C>A (p.Ser79Arg)

Gene: ALPK3 (alpha kinase 3; plus strand). Cytogenetic location: 15q25.3.
Variant type: single nucleotide variant.
Coding change: c.237C>A on transcript NM_020778.4; coding-DNA position 237, C replaced by A.
Protein change: p.Ser79Arg; replaces serine 79 with arginine.
Genome position (GRCh38, 1-based): chr15:84,817,083, C>A. VCF-style: chr15-84817083-C-A. GRCh37 (hg19) VCF-style: chr15-85360314-C-A.
Other names: short protein forms S79R.
Identifiers: ClinVar variation 1790408 (VCV001790408.2), dbSNP rs887695831, ClinGen allele CA393368496.

ClinVar aggregate classification (germline): Uncertain significance (1 of 4 stars; one submission).

Conditions:
Cardiovascular phenotype. Identifiers: MedGen CN230736.

Submission:

Ambry Genetics
Classification: Uncertain significance for Cardiovascular phenotype. Last evaluated: 2022-03-04. Review status: criteria provided, single submitter. Criteria: Ambry Variant Classification Scheme 2023. Collection method: clinical testing. Allele origin: germline.
Comment: The p.S79R variant (also known as c.237C>A), located in coding exon 1 of the ALPK3 gene, results from a C to A substitution at nucleotide position 237. The serine at codon 79 is replaced by arginine, an amino acid with dissimilar properties. This amino acid position is conserved. In addition, this alteration is predicted to be tolerated by in silico analysis. Since supporting evidence is limited at this time, the clinical significance of this alteration remains unclear.